The following is an entry in ClinVar:

ClinVar aggregate classification (germline): Likely pathogenic (1 of 4 stars; one submission).

Conditions:
Argininosuccinate lyase deficiency. Also called: ARGININOSUCCINIC ACID LYASE DEFICIENCY; ASL DEFICIENCY; Argininosuccinic aciduria. Identifiers: Orphanet 23, MedGen C0268547, MONDO:0008815, OMIM 207900, HP:0025630.

Submission:

Labcorp Genetics (formerly Invitae), Labcorp
Classification: Likely pathogenic for Argininosuccinate lyase deficiency. Last evaluated: 2023-01-07. Review status: criteria provided, single submitter. Criteria: Invitae Variant Classification Sherloc (09022015). Collection method: clinical testing. Allele origin: germline.
Comment: In summary, the currently available evidence indicates that the variant is pathogenic, but additional data are needed to prove that conclusively. Therefore, this variant has been classified as Likely Pathogenic. Algorithms developed to predict the effect of sequence changes on RNA splicing suggest that this variant may disrupt the consensus splice site. This variant has not been reported in the literature in individuals affected with ASL-related conditions. This variant is not present in population databases (gnomAD no frequency). This sequence change affects an acceptor splice site in intron 8 of the ASL gene. It is expected to disrupt RNA splicing. Variants that disrupt the donor or acceptor splice site typically lead to a loss of protein function (PMID: 16199547), and loss-of-function variants in ASL are known to be pathogenic (PMID: 2263616, 24166829).

Literature cited by the submitters: PubMed 16199547; PubMed 2263616; PubMed 24166829.

NM_000048.4(ASL):c.603-2A>C

Gene: ASL (argininosuccinate lyase; plus strand). Cytogenetic location: 7q11.21.
Variant type: single nucleotide variant.
Coding change: c.603-2A>C on transcript NM_000048.4 (MANE Select); the canonical splice acceptor site of the intron before coding-DNA position 603, A replaced by C.
Molecular consequence: splice acceptor variant.
Genome position (GRCh38, 1-based): chr7:66,087,332, A>C. VCF-style: chr7-66087332-A-C. GRCh37 (hg19) VCF-style: chr7-65552319-A-C.
Other names: c.603-2A>C (NM_001024943.2, NM_001024944.2); c.525-2A>C (NM_001024946.2).
Identifiers: ClinVar variation 2826892 (VCV002826892.3), dbSNP rs2485011270, ClinGen allele CA367642823.